The following is an entry in ClinVar:

NM_000212.3(ITGB3):c.611A>G (p.Tyr204Cys)

Gene: ITGB3 (integrin subunit beta 3; plus strand). Cytogenetic location: 17q21.32.
Variant type: single nucleotide variant.
Coding change: c.611A>G on transcript NM_000212.3 (MANE Select); coding-DNA position 611, A replaced by G.
Protein change: p.Tyr204Cys; replaces tyrosine 204 with cysteine.
Molecular consequence: missense variant.
Genome position (GRCh38, 1-based): chr17:47,284,692, A>G. VCF-style: chr17-47284692-A-G. GRCh37 (hg19) VCF-style: chr17-45362058-A-G.
Other names: short protein forms Y204C.
Identifiers: ClinVar variation 2074293 (VCV002074293.4), dbSNP rs768860879, ClinGen allele CA8622994.

ClinVar aggregate classification (germline): Uncertain significance (1 of 4 stars; one submission).

Allele frequency attached by ClinVar (database versions not stated): gnomAD exomes 0.00001; TOPMed below 0.00001; ExAC 0.00001.
gnomAD v4.1: 6 of 1,614,174 alleles (0.00037%); highest among the groups gnomAD compares: South Asian, 0.0033%; no homozygotes.

Submission:

Labcorp Genetics (formerly Invitae), Labcorp
Classification: Uncertain significance. Last evaluated: 2023-08-17. Review status: criteria provided, single submitter. Criteria: Invitae Variant Classification Sherloc (09022015). Collection method: clinical testing. Allele origin: germline.
Comment: Algorithms developed to predict the effect of sequence changes on RNA splicing suggest that this variant may create or strengthen a splice site. This sequence change replaces tyrosine, which is neutral and polar, with cysteine, which is neutral and slightly polar, at codon 204 of the ITGB3 protein (p.Tyr204Cys). This variant is present in population databases (rs768860879, gnomAD 0.006%). This variant has not been reported in the literature in individuals affected with ITGB3-related conditions. ClinVar contains an entry for this variant (Variation ID: 2074293). Advanced modeling of protein sequence and biophysical properties (such as structural, functional, and spatial information, amino acid conservation, physicochemical variation, residue mobility, and thermodynamic stability) performed at Invitae indicates that this missense variant is expected to disrupt ITGB3 protein function. In summary, the available evidence is currently insufficient to determine the role of this variant in disease. Therefore, it has been classified as a Variant of Uncertain Significance.